The following is an entry in ClinVar:

ClinVar aggregate classification (germline): Conflicting classifications of pathogenicity. Review status: criteria provided, conflicting classifications (1 of 4 stars). 2 submissions from 2 submitters: Likely pathogenic (1); Uncertain significance (1). Last evaluated 2026-03-06.

Conditions:
Hematuria. Identifiers: MedGen C0018965, HP:0000790.
X-linked Alport syndrome (ATS1). Also called: NEPHROPATHY AND DEAFNESS, X-LINKED; COL4A5-Related Nephropathy. Identifiers: Orphanet 63, Orphanet 88917, MedGen C4746986, MONDO:0010520, OMIM 301050.

Submissions (2):

Genetics Laboratory, Great Ormond Street Hospital NHS Foundation Trust, North Thames Genomic Laboratory Hub
Classification: Likely pathogenic for Haematuria. Last evaluated: 2026-03-06. Review status: criteria provided, single submitter. Criteria: ACGS Best Practice Guidelines for Variant Classification in Rare Disease 2024 v1.2. Collection method: clinical testing. Allele origin: germline. Affected: yes.
Comment: PM2_moderate, PP3_supporting, PM5_moderate, PM1_moderate

Institute of Human Genetics, University of Leipzig Medical Center
Classification: Uncertain significance for X-linked Alport syndrome. Last evaluated: 2020-09-02. Review status: criteria provided, single submitter. Criteria: ACMG Guidelines, 2015. Collection method: clinical testing. Allele origin: unknown. Affected: yes.

NM_033380.3(COL4A5):c.4930T>C (p.Cys1644Arg)

Gene: COL4A5 (collagen type IV alpha 5 chain; plus strand). Cytogenetic location: Xq22.3.
Variant type: single nucleotide variant.
Coding change: c.4930T>C on transcript NM_033380.3 (MANE Select); coding-DNA position 4930, T replaced by C.
Protein change: p.Cys1644Arg; replaces cysteine 1644 with arginine.
Molecular consequence: missense variant.
Genome position (GRCh38, 1-based): chrX:108,695,375, T>C. VCF-style: chrX-108695375-T-C. GRCh37 (hg19) VCF-style: chrX-107938605-T-C.
Other names: c.4912T>C, p.Cys1638Arg (NM_000495.5); short protein forms C1638R, C1644R.
Identifiers: ClinVar variation 982702 (VCV000982702.3), dbSNP rs866393484, ClinGen allele CA334063387.